The following is an entry in ClinVar:

NM_152383.5(DIS3L2):c.2394+1G>A

Gene: DIS3L2 (DIS3 like 3'-5' exoribonuclease 2; plus strand). Cytogenetic location: 2q37.1.
Variant type: single nucleotide variant.
Coding change: c.2394+1G>A on transcript NM_152383.5 (MANE Select); the canonical splice donor site of the intron after coding-DNA position 2394, G replaced by A.
Molecular consequence: splice donor variant. On other transcripts: intron variant (1).
Genome position (GRCh38, 1-based): chr2:232,334,736, G>A. VCF-style: chr2-232334736-G-A. GRCh37 (hg19) VCF-style: chr2-233199446-G-A.
Other names: c.1582-8609G>A (NM_001257281.2).
Identifiers: ClinVar variation 1497277 (VCV001497277.6), dbSNP rs1214723183, ClinGen allele CA350978127.

ClinVar aggregate classification (germline): Likely pathogenic (1 of 4 stars; one submission).

Conditions:
Perlman syndrome (PRLMNS). Identifiers: Orphanet 2849, MedGen C0796113, MONDO:0009965, OMIM 267000.

Allele frequency attached by ClinVar (database versions not stated): gnomAD exomes below 0.00001.
gnomAD v4.1: 7 of 1,602,294 alleles (0.00044%); highest among the groups gnomAD compares: South Asian, 0.0011%; no homozygotes.

Submission:

Labcorp Genetics (formerly Invitae), Labcorp
Classification: Likely pathogenic for Perlman syndrome. Last evaluated: 2022-05-03. Review status: criteria provided, single submitter. Criteria: Invitae Variant Classification Sherloc (09022015). Collection method: clinical testing. Allele origin: germline.
Comment: In summary, the currently available evidence indicates that the variant is pathogenic, but additional data are needed to prove that conclusively. Therefore, this variant has been classified as Likely Pathogenic. Algorithms developed to predict the effect of sequence changes on RNA splicing suggest that this variant may disrupt the consensus splice site. This variant has not been reported in the literature in individuals affected with DIS3L2-related conditions. The frequency data for this variant in the population databases is considered unreliable, as metrics indicate poor data quality at this position in the gnomAD database. This sequence change affects a donor splice site in intron 19 of the DIS3L2 gene. It is expected to disrupt RNA splicing. Variants that disrupt the donor or acceptor splice site typically lead to a loss of protein function (PMID: 16199547), and loss-of-function variants in DIS3L2 are known to be pathogenic (PMID: 22306653, 28328139).

Literature cited by the submitters: PubMed 16199547; PubMed 22306653; PubMed 28328139.